The following is an entry in ClinVar:

NM_004369.4(COL6A3):c.1551C>G (p.Pro517=)

Gene: COL6A3 (collagen type VI alpha 3 chain; minus strand). Cytogenetic location: 2q37.3.
Variant type: single nucleotide variant.
Coding change: c.1551C>G on transcript NM_004369.4 (MANE Select); coding-DNA position 1551, C replaced by G.
Protein change: p.Pro517=; no amino-acid change (proline 517 retained).
Molecular consequence: synonymous variant.
Genome position (GRCh38, 1-based): chr2:237,381,261, G>C on the plus strand (C>G on the coding strand, the complement: COL6A3 is on the minus strand). VCF-style: chr2-237381261-G-C. GRCh37 (hg19) VCF-style: chr2-238289904-G-C.
Other names: c.330C>G, p.Pro110= (NM_057164.5, NM_057166.5); c.933C>G, p.Pro311= (NM_057165.5, NM_057167.4).
Identifiers: ClinVar variation 899264 (VCV000899264.11), dbSNP rs764955459, ClinGen allele CA2189600.
Genomic context (GRCh38, chr2:237,381,261, plus strand): 5'-GAATAGGTTGTTACGAACAAAGTCTAGAGCAGAGCCCGTGTACAGGGCCGAGCCGTCCAG[G>C]GGCTTCATTTTCCGCACAGCGGTTATGACTTCCCTTTTTGTTGGATGGGTATTGAAATAA-3'
Protein context (NP_004360.2, residues 507-527): EVITAVRKMK[Pro517=]LDGSALYTGS

ClinVar aggregate classification (germline): Likely benign. Review status: criteria provided, multiple submitters, no conflicts (2 of 4 stars). 2 submissions from 2 submitters: Likely benign (2). Last evaluated 2024-09-30.

Conditions:
Collagen 6-related myopathy. Identifiers: MedGen CN117976, MONDO:0100225.
Bethlem myopathy 1A. Also called: MYOPATHY, BENIGN CONGENITAL, WITH CONTRACTURES; Bethlem myopathy 1; Bethlem Muscular Dystrophy. Identifiers: Orphanet 610, MedGen CN029274, MONDO:0024530, OMIM 158810.

Allele frequency attached by ClinVar (database versions not stated): gnomAD below 0.00001 and 0.00001; TOPMed below 0.00001; gnomAD exomes 0.00003 and 0.00004; ExAC 0.00006.
gnomAD v4.1: 44 of 1,614,120 alleles (0.0027%); highest among the groups gnomAD compares: South Asian, 0.046%; 1 homozygote.

Submissions (2):

Labcorp Genetics (formerly Invitae), Labcorp
Classification: Likely benign for Bethlem myopathy 1A. Last evaluated: 2024-09-30. Review status: criteria provided, single submitter. Criteria: Invitae Variant Classification Sherloc (09022015). Collection method: clinical testing. Allele origin: germline.

Illumina Laboratory Services, Illumina
Classification: Likely benign for Collagen VI-related myopathy. Last evaluated: 2018-01-12. Review status: criteria provided, single submitter. Criteria: ICSL Variant Classification Criteria 13 December 2019. Collection method: clinical testing. Allele origin: germline.
Comment: This variant was observed in the ICSL laboratory as part of a predisposition screen in an ostensibly healthy population. It had not been previously curated by ICSL or reported in the Human Gene Mutation Database (HGMD: prior to June 1st, 2018), and was therefore a candidate for classification through an automated scoring system. Utilizing variant allele frequency, disease prevalence and penetrance estimates, and inheritance mode, an automated score was calculated to assess if this variant is too frequent to cause the disease. Based on the score and internal cut-off values, a variant classified as likely benign is not then subjected to further curation. The score for this variant resulted in a classification of likely benign for this disease.